The following is an entry in ClinVar:

ClinVar aggregate classification (germline): Uncertain significance (1 of 4 stars; one submission).

gnomAD v4.1: 1 of 152,208 alleles (0.00066%); highest among the groups gnomAD compares: Non-Finnish European, 0.0015%; no homozygotes.

Submission:

Institute for Human Genetics, University Hospital Essen
Classification: Uncertain significance. Last evaluated: 2025-11-27. Review status: criteria provided, single submitter. Criteria: Submitter's publication. Collection method: clinical testing. Allele origin: inherited. Inheritance: Autosomal unknown. Affected: yes. Observed: 1 variant allele, 1 compound heterozygote.
Comment: PM1_supp, PM2_supp (criteria rationale detailed in Leitão et al. Nature Genetics 2026)

NR_199791.1(RNU2-2):n.180G>T

Genes: WDR74 (WD repeat domain 74; minus strand), RNU2-2 (RNA, U2 small nuclear 2; minus strand). Cytogenetic location: 11q12.3.
Variant type: single nucleotide variant.
Molecular consequence: non-coding transcript variant (on NR_199791.1). On other transcripts: 5 prime UTR variant (1).
Genome position: GRCh38 VCF-style: chr11-62841630-C-A. GRCh37 (hg19) VCF-style: chr11-62609102-C-A.
Other names: c.-359G>T (NM_001369451.1).
Identifiers: ClinVar variation 4540544 (VCV004540544.1).